The following is an entry in ClinVar:

ClinVar aggregate classification (germline): Likely benign. Review status: criteria provided, multiple submitters, no conflicts (2 of 4 stars). 3 submissions from 3 submitters: Likely benign (3). Last evaluated 2021-07-01.

Conditions:
Hereditary pancreatitis (PCTT). Also called: Hereditary chronic pancreatitis; PRSS1-Related Hereditary Pancreatitis. Identifiers: Orphanet 676, MedGen C0238339, MONDO:0008185, OMIM 167800.

Allele frequency attached by ClinVar (database versions not stated): gnomAD 0.00001; gnomAD exomes 0.00002 and 0.00004; TOPMed 0.00002; ExAC 0.00007.

Submissions (3):

Labcorp Genetics (formerly Invitae), Labcorp
Classification: Likely benign for Hereditary pancreatitis. Last evaluated: 2021-07-01. Review status: criteria provided, single submitter. Criteria: Invitae Variant Classification Sherloc (09022015). Collection method: clinical testing. Allele origin: germline.

Ambry Genetics
Classification: Likely benign for Hereditary pancreatitis. Last evaluated: 2019-06-29. Review status: criteria provided, single submitter. Criteria: Ambry Variant Classification Scheme 2023. Collection method: clinical testing. Allele origin: germline.

ARUP Laboratories, Molecular Genetics and Genomics, ARUP Laboratories
Classification: Likely benign. Last evaluated: 2018-05-14. Review status: criteria provided, single submitter. Criteria: ARUP Molecular Germline Variant Investigation Process. Collection method: clinical testing. Allele origin: germline.
Comment: The CTRC c.462C>T; p.Pro154Pro variant (rs776457510), to our knowledge, is not reported in the medical literature or in gene-specific databases, but is observed in the European Non-Finnish population at an overall frequency of 0.008% (9/111714 alleles) in the Genome Aggregation Database. This is a synonymous variant at a weakly conserved nucleotide, and computational algorithms (Alamut v.2.11) predict no impact on splicing. Based on available information, this variant is considered likely benign.

NM_007272.3(CTRC):c.462C>T (p.Pro154=)

Gene: CTRC (chymotrypsin C; plus strand). Cytogenetic location: 1p36.21.
Variant type: single nucleotide variant.
Coding change: c.462C>T on transcript NM_007272.3 (MANE Select); coding-DNA position 462, C replaced by T.
Protein change: p.Pro154=; no amino-acid change (proline 154 retained).
Molecular consequence: synonymous variant.
Genome position (GRCh38, 1-based): chr1:15,443,524, C>T. VCF-style: chr1-15443524-C-T. GRCh37 (hg19) VCF-style: chr1-15770019-C-T.
Identifiers: ClinVar variation 618050 (VCV000618050.16), dbSNP rs776457510, ClinGen allele CA613341.